The following is an entry in ClinVar:

NM_005732.4(RAD50):c.2341del (p.Glu781fs)

Gene: RAD50 (RAD50 double strand break repair protein; plus strand). Cytogenetic location: 5q31.1.
Variant type: Deletion.
Coding change: c.2341del on transcript NM_005732.4 (MANE Select); coding-DNA position 2341, one base deleted (G; older notation c.2341delG).
Protein change: p.Glu781fs; shifts the reading frame from glutamic acid 781.
Molecular consequence: frameshift variant.
Genome position (GRCh38, 1-based): chr5:132,603,433, G deleted. VCF-style (leftmost placement, unchanged base first): chr5-132603432-TG-T. GRCh37 (hg19) VCF-style: chr5-131939124-TG-T.
Other names: short protein forms E781fs.
Identifiers: ClinVar variation 1072201 (VCV001072201.7), dbSNP rs1332337249, ClinGen allele CA804007766.

ClinVar aggregate classification (germline): Pathogenic (1 of 4 stars; one submission).

Conditions:
Hereditary cancer-predisposing syndrome. Also called: Tumor predisposition; Hereditary neoplastic syndrome; Neoplastic Syndromes, Hereditary; Hereditary Cancer Syndrome. Identifiers: Orphanet 140162, MedGen C0027672, MeSH D009386, MONDO:0015356.

Allele frequency attached by ClinVar (database versions not stated): gnomAD exomes below 0.00001; TOPMed below 0.00001; gnomAD 0.00001.

Submission:

Labcorp Genetics (formerly Invitae), Labcorp
Classification: Pathogenic for Hereditary cancer-predisposing syndrome. Last evaluated: 2021-10-09. Review status: criteria provided, single submitter. Criteria: Invitae Variant Classification Sherloc (09022015). Collection method: clinical testing. Allele origin: germline.
Comment: For these reasons, this variant has been classified as Pathogenic. Loss-of-function variants in RAD50 are known to be pathogenic (PMID: 16385572, 19409520). This variant has not been reported in the literature in individuals with RAD50-related conditions. This variant is not present in population databases (ExAC no frequency). This sequence change creates a premature translational stop signal (p.Glu781Lysfs*9) in the RAD50 gene. It is expected to result in an absent or disrupted protein product.

Literature cited by the submitters: PubMed 16385572; PubMed 19409520.